The following is an entry in ClinVar:

NM_145046.5(CALR3):c.248C>T (p.Pro83Leu)

Gene: CALR3 (calreticulin 3; minus strand). Cytogenetic location: 19p13.11.
Variant type: single nucleotide variant.
Coding change: c.248C>T on transcript NM_145046.5 (MANE Select); coding-DNA position 248, C replaced by T.
Protein change: p.Pro83Leu; replaces proline 83 with leucine.
Molecular consequence: missense variant.
Genome position (GRCh38, 1-based): chr19:16,490,516, G>A on the plus strand (C>T on the coding strand, the complement: CALR3 is on the minus strand). VCF-style: chr19-16490516-G-A. GRCh37 (hg19) VCF-style: chr19-16601327-G-A.
Other names: short protein forms P83L.
Identifiers: ClinVar variation 2898805 (VCV002898805.3), dbSNP rs764305082, ClinGen allele CA9278457.

ClinVar aggregate classification (germline): Uncertain significance (1 of 4 stars; one submission).

Conditions:
Hypertrophic cardiomyopathy 19. Also called: Familial hypertrophic cardiomyopathy 19. Identifiers: MedGen CN077603, MONDO:0013476.

Allele frequency attached by ClinVar (database versions not stated): TOPMed 0.00002; ExAC 0.00002.

Submission:

Labcorp Genetics (formerly Invitae), Labcorp
Classification: Uncertain significance for Hypertrophic cardiomyopathy 19. Last evaluated: 2025-02-05. Review status: criteria provided, single submitter. Criteria: Invitae Variant Classification Sherloc (09022015). Collection method: clinical testing. Allele origin: germline.
Comment: This sequence change replaces proline, which is neutral and non-polar, with leucine, which is neutral and non-polar, at codon 83 of the CALR3 protein (p.Pro83Leu). This variant is present in population databases (rs764305082, gnomAD 0.002%). This variant has not been reported in the literature in individuals affected with CALR3-related conditions. ClinVar contains an entry for this variant (Variation ID: 2898805). Invitae Evidence Modeling of protein sequence and biophysical properties (such as structural, functional, and spatial information, amino acid conservation, physicochemical variation, residue mobility, and thermodynamic stability) indicates that this missense variant is not expected to disrupt CALR3 protein function with a negative predictive value of 80%. In summary, the available evidence is currently insufficient to determine the role of this variant in disease. Therefore, it has been classified as a Variant of Uncertain Significance.